The following is an entry in ClinVar:

ClinVar aggregate classification (germline): Likely benign (1 of 4 stars; one submission).

gnomAD v4.1: 20 of 1,209,575 alleles (0.0017%); highest among the groups gnomAD compares: Non-Finnish European, 0.0021%; no homozygotes.

Submission:

CeGaT Center for Human Genetics Tuebingen
Classification: Likely benign. Last evaluated: 2026-06-01. Review status: criteria provided, single submitter. Criteria: CeGaT Center For Human Genetics Tuebingen Variant Classification Criteria Version 2. Collection method: clinical testing. Allele origin: germline. Affected: yes. Observed: 1 variant allele.
Comment: USP27X: BP4, BP7, BS2

NM_001145073.3(USP27X):c.567C>T (p.Ala189=)

Gene: USP27X (ubiquitin specific peptidase 27 X-linked; plus strand). Cytogenetic location: Xp11.23.
Variant type: single nucleotide variant.
Coding change: c.567C>T on transcript NM_001145073.3 (MANE Select); coding-DNA position 567, C replaced by T.
Protein change: p.Ala189=; no amino-acid change (alanine 189 retained).
Molecular consequence: synonymous variant.
Genome position (GRCh38, 1-based): chrX:49,880,874, C>T. VCF-style: chrX-49880874-C-T. GRCh37 (hg19) VCF-style: chrX-49645477-C-T.
Identifiers: ClinVar variation 4873744 (VCV004873744.2).
Genomic context (GRCh38, chrX:49,880,874, plus strand): 5'-CATTGCAGCGTTAGATGTCCTGCACAGGCACTGCAAAGGTGATGATGTCGGGAAGGCGGC[C>T]AACAATCCCAACCACTGTAACTGCATCATAGACCAAATCTTCACAGGTGGCCTGCAGTCT-3'
Protein context (NP_001138545.1, residues 179-199): HCKGDDVGKA[Ala189=]NNPNHCNCII